The following is an entry in ClinVar:

ClinVar aggregate classification (germline): Uncertain significance (1 of 4 stars; one submission).

Allele frequency attached by ClinVar (database versions not stated): TOPMed 0.00001; gnomAD exomes below 0.00001; gnomAD 0.00001.
gnomAD v4.1: 6 of 1,613,834 alleles (0.00037%); highest among the groups gnomAD compares: African/African-American, 0.0013%; no homozygotes.

Submission:

Labcorp Genetics (formerly Invitae), Labcorp
Classification: Uncertain significance. Last evaluated: 2022-09-13. Review status: criteria provided, single submitter. Criteria: Invitae Variant Classification Sherloc (09022015). Collection method: clinical testing. Allele origin: germline.
Comment: This sequence change replaces alanine, which is neutral and non-polar, with valine, which is neutral and non-polar, at codon 1051 of the AP3B2 protein (p.Ala1051Val). In summary, the available evidence is currently insufficient to determine the role of this variant in disease. Therefore, it has been classified as a Variant of Uncertain Significance. Algorithms developed to predict the effect of missense changes on protein structure and function are either unavailable or do not agree on the potential impact of this missense change (SIFT: "Tolerated"; PolyPhen-2: "Possibly Damaging"; Align-GVGD: "Class C0"). ClinVar contains an entry for this variant (Variation ID: 1413814). This variant has not been reported in the literature in individuals affected with AP3B2-related conditions. The frequency data for this variant in the population databases is considered unreliable, as metrics indicate poor data quality at this position in the gnomAD database.

NM_001278512.2(AP3B2):c.3209C>T (p.Ala1070Val)

Genes: AP3B2 (adaptor related protein complex 3 subunit beta 2; minus strand), CPEB1-AS1 (CPEB1 antisense RNA 1; plus strand). Cytogenetic location: 15q25.2.
Variant type: single nucleotide variant.
Coding change: c.3209C>T on transcript NM_001278512.2 (MANE Select); coding-DNA position 3209, C replaced by T.
Protein change: p.Ala1070Val; replaces alanine 1070 with valine.
Molecular consequence: missense variant.
Genome position (GRCh38, 1-based): chr15:82,659,657, G>A on the plus strand (C>T on the coding strand, the complement: AP3B2 is on the minus strand). VCF-style: chr15-82659657-G-A. GRCh37 (hg19) VCF-style: chr15-83328409-G-A.
Other names: c.3056C>T, p.Ala1019Val (NM_001278511.2); c.341C>T, p.Ala114Val (NM_001348441.2); c.3152C>T, p.Ala1051Val (NM_004644.5); short protein forms A1019V, A1051V, A1070V, A114V.
Identifiers: ClinVar variation 1413814 (VCV001413814.8), dbSNP rs1395924373, ClinGen allele CA393305380.
Genomic context (GRCh38, chr15:82,659,657, plus strand): 5'-ATGGTGCCAATCACCATTTTCTCGCTGTTGACAGTCAGCTGGGCAGCTCCAGCTGGCCGG[G>A]CATCCAGGGTCAGCAGAACGAGGCTTCCACCAGTCAGTGTCCTCCCTGCAAACCTGAGGT-3'
Protein context (NP_001265441.1, residues 1060-1080): GGSLVLLTLD[Ala1070Val]RPAGAAQLTV